The following is an entry in ClinVar:

ClinVar aggregate classification (germline): Uncertain significance (1 of 4 stars; one submission).

Conditions:
Absence seizure. Also called: Absence epilepsy. Identifiers: Orphanet 1941, MedGen C0014553.
Myoclonic epilepsy, juvenile, susceptibility to, 1. Also called: Myoclonic Epilepsy, Juvenile, 1; EJM1. Identifiers: MedGen C1850778, MONDO:0020752, OMIM 254770.

Allele frequency attached by ClinVar (database versions not stated): gnomAD exomes below 0.00001 and 0.00001.
gnomAD v4.1: 5 of 1,614,118 alleles (0.00031%); highest among the groups gnomAD compares: East Asian, 0.0022%; no homozygotes.

Submission:

Labcorp Genetics (formerly Invitae), Labcorp
Classification: Uncertain significance for Myoclonic epilepsy, juvenile, susceptibility to, 1; Absence seizure. Last evaluated: 2020-08-02. Review status: criteria provided, single submitter. Criteria: Invitae Variant Classification Sherloc (09022015). Collection method: clinical testing. Allele origin: germline.
Comment: In summary, the available evidence is currently insufficient to determine the role of this variant in disease. Therefore, it has been classified as a Variant of Uncertain Significance. Algorithms developed to predict the effect of sequence changes on RNA splicing suggest that this variant may create or strengthen a splice site, but this prediction has not been confirmed by published transcriptional studies. Algorithms developed to predict the effect of missense changes on protein structure and function are either unavailable or do not agree on the potential impact of this missense change (SIFT: "Tolerated"; PolyPhen-2: "Probably Damaging"; Align-GVGD: "Class C0"). This variant has not been reported in the literature in individuals with EFHC1-related conditions. This variant is not present in population databases (ExAC no frequency). This sequence change replaces asparagine with serine at codon 458 of the EFHC1 protein (p.Asn458Ser). The asparagine residue is highly conserved and there is a small physicochemical difference between asparagine and serine.

NM_018100.4(EFHC1):c.1373A>G (p.Asn458Ser)

Gene: EFHC1 (EF-hand domain containing 1; plus strand). Cytogenetic location: 6p12.2.
Variant type: single nucleotide variant.
Coding change: c.1373A>G on transcript NM_018100.4 (MANE Select); coding-DNA position 1373, A replaced by G.
Protein change: p.Asn458Ser; replaces asparagine 458 with serine.
Molecular consequence: missense variant. On other transcripts: non-coding transcript variant (1).
Genome position (GRCh38, 1-based): chr6:52,479,131, A>G. VCF-style: chr6-52479131-A-G. GRCh37 (hg19) VCF-style: chr6-52343929-A-G.
Other names: c.1316A>G, p.Asn439Ser (NM_001172420.2); short protein forms N439S, N458S.
Identifiers: ClinVar variation 1046256 (VCV001046256.10), dbSNP rs1562462191, ClinGen allele CA364457303.
Genomic context (GRCh38, chr6:52,479,131, plus strand): 5'-TTGTCTTCTCTTACTTTCTAGCTACCGACATGATCAGTATCTTTGAGCCTCCTGTTCGCA[A>G]TTCTGGTATCATTGGGGGCAAGTACCTTGGCAGGACTAAAGTTGTTAAACCATACTCTAC-3'
Protein context (NP_060570.2, residues 448-468): MISIFEPPVR[Asn458Ser]SGIIGGKYLG